The following is an entry in ClinVar:

ClinVar aggregate classification (germline): Likely benign. Review status: criteria provided, multiple submitters, no conflicts (2 of 4 stars). 4 submissions from 4 submitters: Likely benign (4). Last evaluated 2025-12-09.

Conditions:
Cardiomyopathy (CMYO). Also called: Cardiomyopathies. Identifiers: Orphanet 167848, MedGen C0878544, MONDO:0004994, HP:0001638. Inheritance: Various modes of inheritance.
Hypertrophic cardiomyopathy. Also called: HYPERTROPHIC MYOCARDIOPATHY. Identifiers: Orphanet 217569, MedGen C0007194, MeSH D002312, MONDO:0005045, HP:0001639.
Cardiovascular phenotype. Identifiers: MedGen CN230736.
Hypertrophic cardiomyopathy 11. Also called: ACTC1-Related Familial Hypertrophic Cardiomyopathy. Identifiers: MedGen C2677506, MONDO:0012799, OMIM 612098.
Atrial septal defect 5 (ASD5). Identifiers: Orphanet 1478, MedGen C2748552, MONDO:0013011, OMIM 612794.
Dilated cardiomyopathy 1R (CMD1R). Identifiers: Orphanet 154, Orphanet 54260, MedGen C3150681, MONDO:0013261, OMIM 613424.

Allele frequency attached by ClinVar (database versions not stated): gnomAD exomes below 0.00001; ExAC 0.00001; TOPMed 0.00002; gnomAD 0.00003 and 0.00004.
gnomAD v4.1: 6 of 1,614,024 alleles (0.00037%); highest among the groups gnomAD compares: African/African-American, 0.008%; no homozygotes.

Submissions (4):

Labcorp Genetics (formerly Invitae), Labcorp
Classification: Likely benign for Dilated cardiomyopathy 1R; Hypertrophic cardiomyopathy 11; Atrial septal defect 5. Last evaluated: 2025-12-09. Review status: criteria provided, single submitter. Criteria: Invitae Variant Classification Sherloc (09022015). Collection method: clinical testing. Allele origin: germline.

All of Us Research Program, National Institutes of Health
Classification: Likely benign for Hypertrophic cardiomyopathy. Last evaluated: 2024-08-13. Review status: criteria provided, single submitter. Criteria: ACMG Guidelines, 2015. Collection method: clinical testing. Allele origin: germline. Inheritance: Autosomal dominant inheritance. Observed: 5 variant alleles, 5 heterozygotes.
Comment: This study involves interpretation of variants in research participants for the purpose of population health screening. Participant phenotype was not available at the time of variant classification. Additional details can be found in publication PMID: 35346344, PMCID: PMC8962531

Ambry Genetics
Classification: Likely benign for Cardiovascular phenotype. Last evaluated: 2023-05-27. Review status: criteria provided, single submitter. Criteria: Ambry Variant Classification Scheme 2023. Collection method: clinical testing. Allele origin: germline.

Color Diagnostics, LLC DBA Color Health
Classification: Likely benign for Cardiomyopathy. Last evaluated: 2019-10-14. Review status: criteria provided, single submitter. Criteria: ACMG Guidelines, 2015. Collection method: clinical testing. Allele origin: germline.

NM_005159.5(ACTC1):c.309C>T (p.His103=)

Genes: GJD2-DT (GJD2 divergent transcript; plus strand), ACTC1 (actin alpha cardiac muscle 1; minus strand). Cytogenetic location: 15q14.
Variant type: single nucleotide variant.
Coding change: c.309C>T on transcript NM_005159.5 (MANE Select); coding-DNA position 309, C replaced by T.
Protein change: p.His103=; no amino-acid change (histidine 103 retained).
Molecular consequence: synonymous variant.
Genome position (GRCh38, 1-based): chr15:34,793,390, G>A on the plus strand (C>T on the coding strand, the complement: ACTC1 is on the minus strand). VCF-style: chr15-34793390-G-A. GRCh37 (hg19) VCF-style: chr15-35085591-G-A.
Other names: c.309C>T (LRG_388t1).
Identifiers: ClinVar variation 416058 (VCV000416058.16), dbSNP rs769303249, ClinGen allele CA041641.
Genomic context (GRCh38, chr15:34,793,390, plus strand): 5'-CTGAGTCATCTTCTCCCGGTTGGCCTTGGGGTTCAGCGGGGCCTCTGTGAGCAGGGTGGG[G>A]TGCTCCTCGGGAGCCACACGGAGCTCATTGTAGAAGGTGTGGTGCCAGATCTTCTCCATG-3'
Protein context (NP_005150.1, residues 93-113): YNELRVAPEE[His103=]PTLLTEAPLN